The following is an entry in ClinVar:

NM_006031.6(PCNT):c.9593C>T (p.Thr3198Met)

Gene: PCNT (pericentrin; plus strand). Cytogenetic location: 21q22.3.
Variant type: single nucleotide variant.
Coding change: c.9593C>T on transcript NM_006031.6 (MANE Select); coding-DNA position 9593, C replaced by T.
Protein change: p.Thr3198Met; replaces threonine 3198 with methionine.
Molecular consequence: missense variant.
Genome position (GRCh38, 1-based): chr21:46,441,054, C>T. VCF-style: chr21-46441054-C-T. GRCh37 (hg19) VCF-style: chr21-47860967-C-T.
Other names: c.9002C>T, p.Thr3001Met (NM_001315529.2); c.9593C>T (NM_006031.5); short protein forms T3001M, T3198M.
Identifiers: ClinVar variation 1374856 (VCV001374856.7), dbSNP rs543002268, ClinGen allele CA10081363.
Genomic context (GRCh38, chr21:46,441,054, plus strand): 5'-GGGTATTTCCTTCCAAAGCAGAACGGAAAATCACATCTCGTCCTTTCACCAGGTTCCGCA[C>T]GGCCGTCAGGGTGGTCATTGCAATATTAAGGTAAATGCCATGACGTTCAGTCAGTGCGTT-3'
Protein context (NP_006022.3, residues 3188-3208): ITSRPFTRFR[Thr3198Met]AVRVVIAILR

ClinVar aggregate classification (germline): Uncertain significance. Review status: criteria provided, multiple submitters, no conflicts (2 of 4 stars). 2 submissions from 2 submitters: Uncertain significance (2). Last evaluated 2026-07-11.

Conditions:
PCNT-related disorder. Also called: PCNT-related condition.

Allele frequency attached by ClinVar (database versions not stated): gnomAD 0.00001; gnomAD exomes 0.00001; ExAC 0.00002; 1000 Genomes Project 30x 0.00016; 1000 Genomes Project 0.00020.
gnomAD v4.1: 8 of 1,613,608 alleles (0.0005%); highest among the groups gnomAD compares: African/African-American, 0.0027%; no homozygotes.

Submissions (2):

PreventionGenetics, part of Exact Sciences
Classification: Uncertain significance for PCNT-related condition. Last evaluated: 2026-07-11. Review status: criteria provided, single submitter. Criteria: ACMG Guidelines, 2015. Collection method: clinical testing. Allele origin: germline.
Comment: The PCNT c.9593C>T variant is predicted to result in the amino acid substitution p.Thr3198Met. To our knowledge, this variant has not been reported in the literature. This variant is reported in 0.0062% of alleles in individuals of African descent in gnomAD. At this time, the clinical significance of this variant is uncertain due to the absence of conclusive functional and genetic evidence.

Labcorp Genetics (formerly Invitae), Labcorp
Classification: Uncertain significance. Last evaluated: 2024-11-18. Review status: criteria provided, single submitter. Criteria: Invitae Variant Classification Sherloc (09022015). Collection method: clinical testing. Allele origin: germline.
Comment: This sequence change replaces threonine, which is neutral and polar, with methionine, which is neutral and non-polar, at codon 3198 of the PCNT protein (p.Thr3198Met). This variant is present in population databases (rs543002268, gnomAD 0.007%). This variant has not been reported in the literature in individuals affected with PCNT-related conditions. ClinVar contains an entry for this variant (Variation ID: 1374856). An algorithm developed to predict the effect of missense changes on protein structure and function (PolyPhen-2) suggests that this variant is likely to be disruptive. In summary, the available evidence is currently insufficient to determine the role of this variant in disease. Therefore, it has been classified as a Variant of Uncertain Significance.